The following is an entry in ClinVar:

NM_004329.3(BMPR1A):c.224C>A (p.Thr75Lys)

Gene: BMPR1A (bone morphogenetic protein receptor type 1A; plus strand). Cytogenetic location: 10q23.2.
Variant type: single nucleotide variant.
Coding change: c.224C>A on transcript NM_004329.3 (MANE Select); coding-DNA position 224, C replaced by A.
Protein change: p.Thr75Lys; replaces threonine 75 with lysine.
Molecular consequence: missense variant.
Genome position (GRCh38, 1-based): chr10:86,890,218, C>A. VCF-style: chr10-86890218-C-A. GRCh37 (hg19) VCF-style: chr10-88649975-C-A.
Other names: short protein forms T75K.
Identifiers: ClinVar variation 820959 (VCV000820959.5), dbSNP rs1589763485, ClinGen allele CA377447252.
Genomic context (GRCh38, chr10:86,890,218, plus strand): 5'-CCTTGCCTTTTTTAAAGTGCTATTGCTCAGGGCACTGTCCAGATGATGCTATTAATAACA[C>A]ATGCATGTAAGTATTTTATGCAGCCCTTCTTAAGAGTTAGGAGAATAGAGTTGCATTTAG-3'
Protein context (NP_004320.2, residues 65-85): GHCPDDAINN[Thr75Lys]CITNGHCFAI

ClinVar aggregate classification (germline): Uncertain significance (1 of 4 stars; one submission).

Conditions:
Hereditary cancer-predisposing syndrome. Also called: Tumor predisposition; Hereditary Cancer Syndrome; Neoplastic Syndromes, Hereditary; Hereditary neoplastic syndrome. Identifiers: Orphanet 140162, MedGen C0027672, MeSH D009386, MONDO:0015356.

Submission:

Ambry Genetics
Classification: Uncertain significance for Hereditary cancer-predisposing syndrome. Last evaluated: 2026-08-17. Review status: criteria provided, single submitter. Criteria: Ambry Variant Classification Scheme 2023. Collection method: clinical testing. Allele origin: germline.
Comment: The p.T75K variant (also known as c.224C>A), located in coding exon 2 of the BMPR1A gene, results from a C to A substitution at nucleotide position 224. The threonine at codon 75 is replaced by lysine, an amino acid with similar properties. This amino acid position is highly conserved in available vertebrate species. In addition, this alteration is predicted to be deleterious by in silico analysis. Based on the available evidence, the clinical significance of this variant remains unclear.